The following is an entry in ClinVar:

ClinVar aggregate classification (germline): Uncertain significance (1 of 4 stars; one submission).

Conditions:
Dilated cardiomyopathy 1JJ (CMD1JJ). Identifiers: Orphanet 154, MedGen C3808935, MONDO:0014095, OMIM 615235.

Submission:

Labcorp Genetics (formerly Invitae), Labcorp
Classification: Uncertain significance for Dilated cardiomyopathy 1JJ. Last evaluated: 2024-02-16. Review status: criteria provided, single submitter. Criteria: Invitae Variant Classification Sherloc (09022015). Collection method: clinical testing. Allele origin: germline.
Comment: This sequence change replaces proline, which is neutral and non-polar, with alanine, which is neutral and non-polar, at codon 1768 of the LAMA4 protein (p.Pro1768Ala). This variant is not present in population databases (gnomAD no frequency). This variant has not been reported in the literature in individuals affected with LAMA4-related conditions. An algorithm developed to predict the effect of missense changes on protein structure and function (PolyPhen-2) suggests that this variant is likely to be disruptive. In summary, the available evidence is currently insufficient to determine the role of this variant in disease. Therefore, it has been classified as a Variant of Uncertain Significance.

NM_001105206.3(LAMA4):c.5323C>G (p.Pro1775Ala)

Gene: LAMA4 (laminin subunit alpha 4; minus strand). Cytogenetic location: 6q21.
Variant type: single nucleotide variant.
Coding change: c.5323C>G on transcript NM_001105206.3 (MANE Select); coding-DNA position 5323, C replaced by G.
Protein change: p.Pro1775Ala; replaces proline 1775 with alanine.
Molecular consequence: missense variant.
Genome position (GRCh38, 1-based): chr6:112,114,079, G>C on the plus strand (C>G on the coding strand, the complement: LAMA4 is on the minus strand). VCF-style: chr6-112114079-G-C. GRCh37 (hg19) VCF-style: chr6-112435282-G-C.
Other names: c.5302C>G, p.Pro1768Ala (NM_001105207.3, NM_002290.5); short protein forms P1768A, P1775A.
Identifiers: ClinVar variation 3641163 (VCV003641163.2).